The following is an entry in ClinVar:

NM_000069.3(CACNA1S):c.5223C>A (p.Cys1741Ter)

Gene: CACNA1S (calcium voltage-gated channel subunit alpha1 S; minus strand). Cytogenetic location: 1q32.1.
Variant type: single nucleotide variant.
Coding change: c.5223C>A on transcript NM_000069.3 (MANE Select); coding-DNA position 5223, C replaced by A.
Protein change: p.Cys1741Ter; replaces cysteine 1741 with a stop codon.
Molecular consequence: nonsense.
Genome position (GRCh38, 1-based): chr1:201,040,625, G>T on the plus strand (C>A on the coding strand, the complement: CACNA1S is on the minus strand). VCF-style: chr1-201040625-G-T. GRCh37 (hg19) VCF-style: chr1-201009753-G-T.
Other names: short protein forms C1741*.
Identifiers: ClinVar variation 2162033 (VCV002162033.5), dbSNP rs1451363764, ClinGen allele CA344131688.

ClinVar aggregate classification (germline): Conflicting classifications of pathogenicity. Review status: criteria provided, conflicting classifications (1 of 4 stars). 2 submissions from 2 submitters: Pathogenic (1); Uncertain significance (1). Last evaluated 2025-09-14.

Conditions:
Hypokalemic periodic paralysis, type 1. Also called: HypoPP; Hypokalemic Periodic Paralysis Type 1 (AD). Identifiers: Orphanet 681, MedGen C3714580, MONDO:0042979, OMIM 170400.
Malignant hyperthermia, susceptibility to, 5 (MHS5). Also called: CACNA1S-Related Malignant Hyperthermia Susceptibility. Identifiers: Orphanet 423, MedGen C1866077, MONDO:0011163, OMIM 601887.

Allele frequency attached by ClinVar (database versions not stated): TOPMed below 0.00001.

Submissions (2):

Labcorp Genetics (formerly Invitae), Labcorp
Classification: Pathogenic for Hypokalemic periodic paralysis, type 1; Malignant hyperthermia, susceptibility to, 5. Last evaluated: 2025-09-14. Review status: criteria provided, single submitter. Criteria: Invitae Variant Classification Sherloc (09022015). Collection method: clinical testing. Allele origin: germline.
Comment: This sequence change creates a premature translational stop signal (p.Cys1741*) in the CACNA1S gene. It is expected to result in an absent or disrupted protein product. Loss-of-function variants in CACNA1S are known to be pathogenic (PMID: 26247046, 28012042). This variant is not present in population databases (gnomAD no frequency). This variant has not been reported in the literature in individuals affected with CACNA1S-related conditions. ClinVar contains an entry for this variant (Variation ID: 2162033). For these reasons, this variant has been classified as Pathogenic.

All of Us Research Program, National Institutes of Health
Classification: Uncertain significance for Malignant hyperthermia, susceptibility to, 5. Last evaluated: 2024-07-20. Review status: criteria provided, single submitter. Criteria: ACMG Guidelines, 2015. Collection method: clinical testing. Allele origin: germline. Inheritance: Autosomal dominant inheritance. Observed: 1 variant allele, 1 heterozygote.
Comment: This variant changes 1 nucleotide in exon 42 of the CACNA1S gene, creating a premature translation stop signal. This variant is expected to result in an absent or non-functional protein product. This variant has not been reported in individuals affected with autosomal dominant malignant hyperthermia in the literature, although it is associated with other phenotype(s) (ClinVar variation ID: 2162033). This variant has not been identified in the general population by the Genome Aggregation Database (gnomAD). Due to insufficient evidence, this variant is classified as a Variant of Uncertain Significance for autosomal dominant malignant hyperthermia.

This study involves interpretation of variants in research participants for the purpose of population health screening. Participant phenotype was not available at the time of variant classification. Additional details can be found in publication PMID: 35346344, PMCID: PMC8962531

Literature cited by the submitters: PubMed 26247046 (cited by Labcorp Genetics (formerly Invitae), Labcorp); PubMed 28012042 (cited by Labcorp Genetics (formerly Invitae), Labcorp).